The following is an entry in ClinVar:

NM_001042492.3(NF1):c.1845+3A>T

Gene: NF1 (neurofibromin 1; plus strand). Cytogenetic location: 17q11.2.
Variant type: single nucleotide variant.
Coding change: c.1845+3A>T on transcript NM_001042492.3 (MANE Select); 3 bases into the intron after coding-DNA position 1845, A replaced by T.
Molecular consequence: intron variant.
Genome position (GRCh38, 1-based): chr17:31,223,570, A>T. VCF-style: chr17-31223570-A-T. GRCh37 (hg19) VCF-style: chr17-29550588-A-T.
Other names: c.1845+3A>T (NM_000267.4).
Identifiers: ClinVar variation 2864175 (VCV002864175.4), dbSNP rs2066964401, ClinGen allele CA2733359824.
Genomic context (GRCh38, chr17:31,223,570, plus strand): 5'-TCTCAAGTGGTTGCGGGAAATATTGATCTGCAGGAATAAATTTCTTCTTAAAAATAAGGT[A>T]AGCAAAATGACATATTTAAAAAATGGAAGAATATTTGGAATGGTAATGGTGAGAGATTAC-3'

ClinVar aggregate classification (germline): Uncertain significance. Review status: criteria provided, multiple submitters, no conflicts (2 of 4 stars). 2 submissions from 2 submitters: Uncertain significance (2). Last evaluated 2025-08-19.

Conditions:
Neurofibromatosis, type 1 (NF1). Also called: VON RECKLINGHAUSEN DISEASE; Neurofibromatosis, type I; NEUROFIBROMATOSIS, TYPE I, SOMATIC; Peripheral type neurofibromatosis. Identifiers: Orphanet 636, MedGen C0027831, MONDO:0018975, OMIM 162200. Disease mechanism: loss of function.

Submissions (2):

3billion
Classification: Uncertain significance for Neurofibromatosis, type 1. Last evaluated: 2025-08-19. Review status: criteria provided, single submitter. Criteria: ACMG Guidelines, 2015. Collection method: clinical testing. Allele origin: germline. Affected: yes.
Comment: The variant is not observed in the gnomAD v4.1.0 dataset. Predicted Consequence/Location: Intron variant In silico tools predict the variant to alter splicing and produce an abnormal transcript [SpliceAI: 0.86 (>=0.2, moderate evidence for spliceogenicity)]. The variant has been reported as of uncertain significance (ClinVar ID: VCV002864175). Therefore, this variant is classified as VUS according to the recommendation of ACMG/AMP guideline.

Labcorp Genetics (formerly Invitae), Labcorp
Classification: Uncertain significance for Neurofibromatosis, type 1. Last evaluated: 2023-07-03. Review status: criteria provided, single submitter. Criteria: Invitae Variant Classification Sherloc (09022015). Collection method: clinical testing. Allele origin: germline.
Comment: In summary, the available evidence is currently insufficient to determine the role of this variant in disease. Therefore, it has been classified as a Variant of Uncertain Significance. Variants that disrupt the consensus splice site are a relatively common cause of aberrant splicing (PMID: 17576681, 9536098). Algorithms developed to predict the effect of sequence changes on RNA splicing suggest that this variant may disrupt the consensus splice site. This variant has not been reported in the literature in individuals affected with NF1-related conditions. This variant is not present in population databases (gnomAD no frequency). This sequence change falls in intron 16 of the NF1 gene. It does not directly change the encoded amino acid sequence of the NF1 protein. It affects a nucleotide within the consensus splice site.

Literature cited by the submitters: PubMed 17576681 (cited by Labcorp Genetics (formerly Invitae), Labcorp); PubMed 9536098 (cited by Labcorp Genetics (formerly Invitae), Labcorp).